The following is an entry in ClinVar:

NM_000921.5(PDE3A):c.3012C>T (p.Phe1004=)

Gene: PDE3A (phosphodiesterase 3A; plus strand). Cytogenetic location: 12p12.2.
Variant type: single nucleotide variant.
Coding change: c.3012C>T on transcript NM_000921.5 (MANE Select); coding-DNA position 3012, C replaced by T.
Protein change: p.Phe1004=; no amino-acid change (phenylalanine 1004 retained).
Molecular consequence: synonymous variant.
Genome position (GRCh38, 1-based): chr12:20,654,033, C>T. VCF-style: chr12-20654033-C-T. GRCh37 (hg19) VCF-style: chr12-20806967-C-T.
Other names: c.2046C>T, p.Phe682= (NM_001244683.2, NM_001378409.1); c.2706C>T, p.Phe902= (NM_001378407.1); c.2049C>T, p.Phe683= (NM_001378408.1); c.3012C>T (NM_000921.4).
Identifiers: ClinVar variation 2060039 (VCV002060039.5), dbSNP rs749371120, ClinGen allele CA6474225.
Genomic context (GRCh38, chr12:20,654,033, plus strand): 5'-ACCCATAAGCCCCTTCATGGATCGTTCTGCTCCTCAGCTGGCCAACCTTCAGGAATCCTT[C>T]ATCTCTCACATTGTGGGGCCTCTGTGCAACTCCTATGATTCAGCAGGACTAATGCCTGGA-3'
Protein context (NP_000912.3, residues 994-1014): APQLANLQES[Phe1004=]ISHIVGPLCN

ClinVar aggregate classification (germline): Benign/Likely benign. Review status: criteria provided, multiple submitters, no conflicts (2 of 4 stars). 2 submissions from 2 submitters: Benign (1); Likely benign (1). Last evaluated 2026-02-06.

Conditions:
PDE3A-related disorder. Also called: PDE3A-related condition.

Allele frequency attached by ClinVar (database versions not stated): gnomAD 0.00005; gnomAD exomes 0.00007; TOPMed 0.00011; ExAC 0.00012.
gnomAD v4.1: 113 of 1,614,160 alleles (0.007%); highest among the groups gnomAD compares: East Asian, 0.21%; no homozygotes.

Submissions (2):

PreventionGenetics, part of Exact Sciences
Classification: Likely benign for PDE3A-related condition. Last evaluated: 2026-02-06. Review status: criteria provided, single submitter. Criteria: ACMG Guidelines, 2015. Collection method: clinical testing. Allele origin: germline.
Comment: This variant is classified as likely benign based on ACMG/AMP sequence variant interpretation guidelines (Richards et al. 2015 PMID: 25741868, with internal and published modifications).

Labcorp Genetics (formerly Invitae), Labcorp
Classification: Benign. Last evaluated: 2024-05-02. Review status: criteria provided, single submitter. Criteria: Invitae Variant Classification Sherloc (09022015). Collection method: clinical testing. Allele origin: germline.